The following is an entry in ClinVar:

NM_001128164.2(ATXN1):c.636GCA[16] (p.Gln224_Gln225dup)

Genes: ATXN1 (ataxin 1; minus strand), LOC108663993 (ataxin 1 repeat instability region; plus strand). Cytogenetic location: 6p22.3.
Variant type: Microsatellite.
Coding change: c.636GCA[16] on transcript NM_001128164.2 (MANE Select); 16 copies in a row of the 3-base unit GCA starting at c.636; the reference has 14 copies in a row; two copies, 6 bases duplicated.
Protein change: p.Gln224_Gln225dup.
Molecular consequence: inframe insertion. On other transcripts: 3 prime UTR variant (1).
Genome position (GRCh38, 1-based): chr6:16,327,634-16,327,639, TGCTGC duplicated on the plus strand (GCAGCA on the coding strand, the reverse complement: ATXN1 is on the minus strand); duplicating any 6 consecutive bases within chr6:16,327,634-16,327,677 gives the same sequence; the position shown is the placement nearest the transcript's 3' end. VCF-style (leftmost placement, unchanged base first): chr6-16327633-G-GTGCTGC. GRCh37 (hg19) VCF-style: chr6-16327864-G-GTGCTGC.
Other names: c.*49GCA[16] (NM_001357857.2); c.636GCA[16], p.Gln224_Gln225dup (NM_000332.4); c.672_677dup6 (NM_000332.3).
Identifiers: ClinVar variation 522332 (VCV000522332.8), dbSNP rs751421308, ClinGen allele CA3645517.

ClinVar aggregate classification (germline): Benign. Review status: criteria provided, single submitter (1 of 4 stars). 3 submissions from 3 submitters: Benign (1). 2 of the submissions do not count toward it. Last evaluated 2016-07-19.

Conditions:
ATXN1-related disorder. Also called: ATXN1-related condition.
Spinocerebellar ataxia type 1 (SCA1). Also called: SCHUT-HAYMAKER TYPE OPCA; OLIVOPONTOCEREBELLAR ATROPHY I; OLIVOPONTOCEREBELLAR ATROPHY IV; CEREBELLOPARENCHYMAL DISORDER I; SPINOCEREBELLAR ATROPHY I; MENZEL TYPE OPCA. Identifiers: Orphanet 98755, MedGen C0752120, MONDO:0008119, OMIM 164400.

Submissions (3):

Clinical Genetics DNA and cytogenetics Diagnostics Lab, Erasmus MC, Erasmus Medical Center
Classification: Benign for Spinocerebellar ataxia type 1. Last evaluated: 2016-07-19. Review status: criteria provided, single submitter. Criteria: ACGS Guidelines, 2013. Collection method: clinical testing. Allele origin: germline. Affected: yes. Study: VKGL Data-share Consensus.

PreventionGenetics, part of Exact Sciences
Classification: Benign for ATXN1-related condition. Last evaluated: 2019-12-09. Review status: no assertion criteria provided. Collection method: clinical testing. Allele origin: germline. Not counted in ClinVar's aggregate classification.
Comment: This variant is classified as benign based on ACMG/AMP sequence variant interpretation guidelines (Richards et al. 2015 PMID: 25741868, with internal and published modifications).

Genome Diagnostics Laboratory, University Medical Center Utrecht
Classification: Benign. Review status: no assertion criteria provided. Collection method: clinical testing. Allele origin: germline. Affected: yes. Study: VKGL Data-share Consensus. Not counted in ClinVar's aggregate classification.